The following is an entry in ClinVar:

ClinVar aggregate classification (germline): Uncertain significance (1 of 4 stars; one submission).

Conditions:
Ellis-van Creveld syndrome (EVC). Also called: EVC-Related Ellis-van Creveld Syndrome; EVC2-Related Ellis-van Creveld Syndrome; Chondroectodermal dysplasia; MESOECTODERMAL DYSPLASIA. Identifiers: Orphanet 289, MedGen C0013903, MONDO:0009162, OMIM 225500.
Curry-Hall syndrome (WAD). Also called: WEYERS ACRODENTAL DYSOSTOSIS. Identifiers: Orphanet 952, MedGen C0457013, MONDO:0008673, OMIM 193530.

gnomAD v4.1: 2 of 1,614,162 alleles (0.00012%); highest among the groups gnomAD compares: Non-Finnish European, 0.00017%; no homozygotes.

Submission:

Labcorp Genetics (formerly Invitae), Labcorp
Classification: Uncertain significance for Curry-Hall syndrome; Ellis-van Creveld syndrome. Last evaluated: 2022-06-23. Review status: criteria provided, single submitter. Criteria: Invitae Variant Classification Sherloc (09022015). Collection method: clinical testing. Allele origin: germline.
Comment: This sequence change replaces arginine, which is basic and polar, with methionine, which is neutral and non-polar, at codon 558 of the EVC protein (p.Arg558Met). This variant is not present in population databases (gnomAD no frequency). This variant has not been reported in the literature in individuals affected with EVC-related conditions. Algorithms developed to predict the effect of missense changes on protein structure and function are either unavailable or do not agree on the potential impact of this missense change (SIFT: "Deleterious"; PolyPhen-2: "Possibly Damaging"; Align-GVGD: "Class C0"). In summary, the available evidence is currently insufficient to determine the role of this variant in disease. Therefore, it has been classified as a Variant of Uncertain Significance.

NM_153717.3(EVC):c.1673G>T (p.Arg558Met)

Gene: EVC (EvC ciliary complex subunit 1; plus strand). Cytogenetic location: 4p16.2.
Variant type: single nucleotide variant.
Coding change: c.1673G>T on transcript NM_153717.3 (MANE Select); coding-DNA position 1673, G replaced by T.
Protein change: p.Arg558Met; replaces arginine 558 with methionine.
Molecular consequence: missense variant.
Genome position (GRCh38, 1-based): chr4:5,783,661, G>T. VCF-style: chr4-5783661-G-T. GRCh37 (hg19) VCF-style: chr4-5785388-G-T.
Other names: c.1673G>T, p.Arg558Met (NM_001306090.2); short protein forms R558M.
Identifiers: ClinVar variation 2124123 (VCV002124123.1), dbSNP rs775402958, ClinGen allele CA356160970.
Genomic context (GRCh38, chr4:5,783,661, plus strand): 5'-TGTTCCTTCAGACGCTCCCTGGCATGACTGGCCTCCCCCCGGAAGAGTGTGACTACTTGA[G>T]GCAGGAAGTCCAGGAGAACGCTGCCTGGCAGCTGGGGAAGTCAAATCGCTTCCGGAGGCA-3'
Protein context (NP_714928.1, residues 548-568): GLPPEECDYL[Arg558Met]QEVQENAAWQ